The following is an entry in ClinVar:

ClinVar aggregate classification (germline): Likely pathogenic (1 of 4 stars; one submission).

Submission:

GeneDx
Classification: Likely pathogenic. Last evaluated: 2022-04-25. Review status: criteria provided, single submitter. Criteria: GeneDx Variant Classification Process June 2021. Collection method: clinical testing. Allele origin: germline. Affected: yes.
Comment: Not observed in large population cohorts (gnomAD); In-silico analysis is inconclusive as to whether the variant alters gene splicing. In the absence of RNA/functional studies, the actual effect of this sequence change is unknown.; Has not been previously published as pathogenic or benign to our knowledge

NM_001429.4(EP300):c.4453-10_4453-8delinsAAAC

Gene: EP300 (E1A binding protein p300; plus strand). Cytogenetic location: 22q13.2.
Variant type: Indel.
Coding change: c.4453-10_4453-8delinsAAAC on transcript NM_001429.4 (MANE Select); 10 bases into the intron before coding-DNA position 4453 through 8 bases into the intron before coding-DNA position 4453, GTT replaced by AAAC.
Molecular consequence: intron variant.
Genome position (GRCh38, 1-based): chr22:41,172,489-41,172,491, GTT replaced by AAAC. VCF-style: chr22-41172489-GTT-AAAC. GRCh37 (hg19) VCF-style: chr22-41568493-GTT-AAAC.
Other names: c.4375-10_4375-8delinsAAAC (NM_001362843.2).
Identifiers: ClinVar variation 1678545 (VCV001678545.2), dbSNP rs2145769898, ClinGen allele CA2573158205.
Genomic context (GRCh38, chr22:41,172,489, plus strand): 5'-TGATTATTCTGTATAATCAATGCTTTAAAAGAACATAGAAATTCCTATATGTACATGCAT[GTT>AAAC]TTCACAGGATATTTTTAAACAAGCTACTGAAGATAGATTAACAAGTGCAAAGGAATTGCC-3'